The following is an entry in ClinVar:

NM_172107.4(KCNQ2):c.267_268del (p.Gly90fs)

Gene: KCNQ2 (potassium voltage-gated channel subfamily Q member 2; minus strand). Cytogenetic location: 20q13.33.
Variant type: Microsatellite.
Coding change: c.267_268del on transcript NM_172107.4 (MANE Select); coding-DNA positions 267 to 268, 2 bases deleted (CG; older notation c.267_268delCG).
Protein change: p.Gly90fs; shifts the reading frame from glycine 90.
Molecular consequence: frameshift variant.
Genome position (GRCh38, 1-based): chr20:63,472,196-63,472,197, CG deleted on the plus strand (CG on the coding strand, the reverse complement: KCNQ2 is on the minus strand); deleting any 2 consecutive bases within chr20:63,472,196-63,472,201 gives the same sequence; the c. name uses the placement nearest the transcript's 3' end. VCF-style (leftmost placement, unchanged base first): chr20-63472195-CCG-C. GRCh37 (hg19) VCF-style: chr20-62103548-CCG-C.
Other names: c.267_268del, p.Gly90fs (NM_001382235.1, NM_004518.6, NM_172106.3 and 2 more transcripts); short protein forms G90fs.
Identifiers: ClinVar variation 3287733 (VCV003287733.1).

ClinVar aggregate classification (germline): Pathogenic (1 of 4 stars; one submission).

Conditions:
Inborn genetic diseases. Identifiers: MedGen C0950123, MeSH D030342.

Submission:

Ambry Genetics
Classification: Pathogenic for Inborn genetic diseases. Last evaluated: 2024-04-02. Review status: criteria provided, single submitter. Criteria: Ambry Variant Classification Scheme 2023. Collection method: clinical testing. Allele origin: germline.
Comment: The c.267_268delCG (p.G90Lfs*29) alteration, located in exon 1 (coding exon 1) of the KCNQ2 gene, consists of a deletion of 2 nucleotides from position 267 to 268, causing a translational frameshift with a predicted alternate stop codon after 29 amino acids. This alteration is expected to result in loss of function by premature protein truncation or nonsense-mediated mRNA decay. This variant was not reported in population-based cohorts in the Genome Aggregation Database (gnomAD). Based on the available evidence, this alteration is classified as pathogenic.